The following is an entry in ClinVar:

ClinVar aggregate classification (germline): Uncertain significance (1 of 4 stars; one submission).

Submission:

GeneDx
Classification: Uncertain significance. Last evaluated: 2022-12-23. Review status: criteria provided, single submitter. Criteria: GeneDx Variant Classification Process June 2021. Collection method: clinical testing. Allele origin: germline. Affected: yes.
Comment: Not observed at significant frequency in large population cohorts (gnomAD); Missense variants in this gene are often considered pathogenic (HGMD); In silico analysis supports that this missense variant has a deleterious effect on protein structure/function; This substitution is predicted to be within the intracellular loop between the sixth transmembrane segment of the second homologous domain and the first transmembrane segment of the third homologous domain.; Has not been previously published as pathogenic or benign to our knowledge; This variant is associated with the following publications: (PMID: 24077912)

NM_001330260.2(SCN8A):c.3035A>C (p.Lys1012Thr)

Gene: SCN8A (sodium voltage-gated channel alpha subunit 8; plus strand). Cytogenetic location: 12q13.13.
Variant type: single nucleotide variant.
Coding change: c.3035A>C on transcript NM_001330260.2 (MANE Select); coding-DNA position 3035, A replaced by C.
Protein change: p.Lys1012Thr; replaces lysine 1012 with threonine.
Molecular consequence: missense variant.
Genome position (GRCh38, 1-based): chr12:51,768,998, A>C. VCF-style: chr12-51768998-A-C. GRCh37 (hg19) VCF-style: chr12-52162782-A-C.
Other names: c.3035A>C, p.Lys1012Thr (NM_001177984.3, NM_001369788.1, NM_014191.4); short protein forms K1012T.
Identifiers: ClinVar variation 2507235 (VCV002507235.1), dbSNP rs2540265971, ClinGen allele CA384892157.